The following is an entry in ClinVar:

NM_001195263.2(PDZD7):c.868-203T>G

Gene: PDZD7 (PDZ domain containing 7; minus strand). Cytogenetic location: 10q24.31.
Variant type: single nucleotide variant.
Coding change: c.868-203T>G on transcript NM_001195263.2 (MANE Select); 203 bases into the intron before coding-DNA position 868, T replaced by G.
Molecular consequence: intron variant.
Genome position (GRCh38, 1-based): chr10:101,020,881, A>C on the plus strand (T>G on the coding strand, the complement: PDZD7 is on the minus strand). VCF-style: chr10-101020881-A-C. GRCh37 (hg19) VCF-style: chr10-102780638-A-C.
Other names: c.868-203T>G (NM_024895.5, NM_001351044.2).
Identifiers: ClinVar variation 683837 (VCV000683837.2), dbSNP rs1998249, ClinGen allele CA13295774.

ClinVar aggregate classification (germline): Benign. Review status: criteria provided, multiple submitters, no conflicts (2 of 4 stars). 2 submissions from 2 submitters: Benign (2). Last evaluated 2018-06-14.

Allele frequency attached by ClinVar (database versions not stated): gnomAD 0.30780; TOPMed 0.33273; 1000 Genomes Project 0.38279; 1000 Genomes Project 30x 0.39163.

Submissions (2):

GeneDx
Classification: Benign. Last evaluated: 2018-06-14. Review status: criteria provided, single submitter. Criteria: GeneDx Variant Classification (06012015). Collection method: clinical testing. Allele origin: germline. Affected: yes.
Comment: This variant is considered likely benign or benign based on one or more of the following criteria: it is a conservative change, it occurs at a poorly conserved position in the protein, it is predicted to be benign by multiple in silico algorithms, and/or has population frequency not consistent with disease.

Breakthrough Genomics
Classification: Benign. Review status: criteria provided, single submitter. Criteria: ACMG Guidelines, 2015. Collection method: not provided. Allele origin: germline. Inheritance: Autosomal recessive inheritance. Affected: yes.